The following is an entry in ClinVar:

NC_000017.10:g.(?_29588715)_(29592367_?)del

Gene: NF1 (neurofibromin 1; plus strand). Cytogenetic location: 17q11.2.
Variant type: Deletion.
Identifiers: ClinVar variation 1457330 (VCV001457330.4).

ClinVar aggregate classification (germline): Pathogenic (1 of 4 stars; one submission).

Conditions:
Neurofibromatosis, type 1 (NF1). Also called: Neurofibromatosis, type I; VON RECKLINGHAUSEN DISEASE; NEUROFIBROMATOSIS, TYPE I, SOMATIC; Peripheral type neurofibromatosis. Identifiers: Orphanet 636, MedGen C0027831, MONDO:0018975, OMIM 162200. Disease mechanism: loss of function.

Submission:

Labcorp Genetics (formerly Invitae), Labcorp
Classification: Pathogenic for Neurofibromatosis, type 1. Last evaluated: 2021-06-08. Review status: criteria provided, single submitter. Criteria: Invitae Variant Classification Sherloc (09022015). Collection method: clinical testing. Allele origin: germline.
Comment: For these reasons, this variant has been classified as Pathogenic. The region of the NF1 gene that includes exon 35 has been determined to be clinically significant (PMID: 26189818, Invitae). Therefore, deletions that encompass that region are likely to disrupt protein function and cause disease. This variant has not been reported in the literature in individuals with NF1-related conditions. This variant is a gross deletion of the genomic region encompassing exon(s) 34-35 of the NF1 gene. This variant would be expected to be in-frame, preserving the integrity of the reading frame.

Literature cited by the submitters: PubMed 26189818.